The following is an entry in ClinVar:

ClinVar aggregate classification (germline): Uncertain significance. Review status: criteria provided, multiple submitters, no conflicts (2 of 4 stars). 2 submissions from 2 submitters: Uncertain significance (2). Last evaluated 2024-05-12.

Conditions:
Epidermolysis bullosa simplex 5C, with pyloric atresia (EBS5C). Also called: PLEC1-Related Epidermolysis Bullosa with Pyloric Atresia; Epidermolysis bullosa simplex with pyloric atresia; PLEC-Related Epidermolysis Bullosa with Pyloric Atresia. Identifiers: Orphanet 158684, MedGen C2677349, MONDO:0012807, OMIM 612138.
Epidermolysis bullosa simplex with nail dystrophy (EBS5D). Identifiers: MedGen C4225309, MONDO:0014661, OMIM 616487.
Epidermolysis bullosa simplex 5B, with muscular dystrophy (EBS5B). Also called: EPIDERMOLYSIS BULLOSA SIMPLEX AND LIMB-GIRDLE MUSCULAR DYSTROPHY; Epidermolysis bullosa simplex with muscular dystrophy. Identifiers: Orphanet 257, MedGen C2931072, MONDO:0009181, OMIM 226670.
Epidermolysis bullosa simplex, Ogna type (EBS5A). Also called: Pidermolysis bullosa simplex 5A, Ogna type; EPIDERMOLYSIS BULLOSA SIMPLEX 5A, OGNA TYPE. Identifiers: Orphanet 79401, MedGen C0432317, MONDO:0007555, OMIM 131950.
Autosomal recessive limb-girdle muscular dystrophy type 2Q (LGMDR17). Also called: MUSCULAR DYSTROPHY, LIMB-GIRDLE, AUTOSOMAL RECESSIVE 17. Identifiers: Orphanet 254361, MedGen C3150989, MONDO:0013390, OMIM 613723.
Inborn genetic diseases. Identifiers: MedGen C0950123, MeSH D030342.

Allele frequency attached by ClinVar (database versions not stated): gnomAD exomes below 0.00001; ExAC 0.00001; gnomAD 0.00001; TOPMed 0.00001.
gnomAD v4.1: 3 of 1,613,446 alleles (0.00019%); highest among the groups gnomAD compares: African/African-American, 0.0013%; no homozygotes.

Submissions (2):

Ambry Genetics
Classification: Uncertain significance for Inborn genetic diseases. Last evaluated: 2024-05-12. Review status: criteria provided, single submitter. Criteria: Ambry Variant Classification Scheme 2023. Collection method: clinical testing. Allele origin: germline.

Labcorp Genetics (formerly Invitae), Labcorp
Classification: Uncertain significance for Autosomal recessive limb-girdle muscular dystrophy type 2Q; Epidermolysis bullosa simplex, Ogna type; Epidermolysis bullosa simplex with nail dystrophy; Epidermolysis bullosa simplex 5C, with pyloric atresia; Epidermolysis bullosa simplex 5B, with muscular dystrophy. Last evaluated: 2022-04-15. Review status: criteria provided, single submitter. Criteria: Invitae Variant Classification Sherloc (09022015). Collection method: clinical testing. Allele origin: germline.
Comment: This sequence change replaces proline, which is neutral and non-polar, with serine, which is neutral and polar, at codon 4044 of the PLEC protein (p.Pro4044Ser). This variant is present in population databases (rs782728318, gnomAD 0.0009%). This variant has not been reported in the literature in individuals affected with PLEC-related conditions. ClinVar contains an entry for this variant (Variation ID: 838199). Algorithms developed to predict the effect of missense changes on protein structure and function (SIFT, PolyPhen-2, Align-GVGD) all suggest that this variant is likely to be disruptive. In summary, the available evidence is currently insufficient to determine the role of this variant in disease. Therefore, it has been classified as a Variant of Uncertain Significance.

NM_201384.3(PLEC):c.12049C>T (p.Pro4017Ser)

Gene: PLEC (plectin; minus strand). Cytogenetic location: 8q24.3.
Variant type: single nucleotide variant.
Coding change: c.12049C>T on transcript NM_201384.3 (MANE Select); coding-DNA position 12049, C replaced by T.
Protein change: p.Pro4017Ser; replaces proline 4017 with serine.
Molecular consequence: missense variant.
Genome position (GRCh38, 1-based): chr8:143,917,772, G>A on the plus strand (C>T on the coding strand, the complement: PLEC is on the minus strand). VCF-style: chr8-143917772-G-A. GRCh37 (hg19) VCF-style: chr8-144991940-G-A.
Other names: c.12130C>T, p.Pro4044Ser (NM_000445.5); c.12007C>T, p.Pro4003Ser (NM_201378.4); c.11983C>T, p.Pro3995Ser (NM_201379.3); c.12460C>T, p.Pro4154Ser (NM_201380.4); c.11953C>T, p.Pro3985Ser (NM_201381.3); c.12049C>T, p.Pro4017Ser (NM_201382.4); c.12061C>T, p.Pro4021Ser (NM_201383.3); c.12130C>T (NM_000445.3); short protein forms P3985S, P3995S, P4003S, P4017S, P4021S, P4044S, P4154S.
Identifiers: ClinVar variation 838199 (VCV000838199.11), dbSNP rs782728318, ClinGen allele CA4924186.
Genomic context (GRCh38, chr8:143,917,772, plus strand): 5'-CCTTCAGGATCAGGCCCTTCTTCATGGCCTGGAAGAGGGAGATGAGCTTCCCAGAGTAGG[G>A]GTCCTTGTACCCAGTGACGGCGCGCTCGGCCGACAGCAGCTTGTCCTTGAACTCGGGGCC-3'
Protein context (NP_958786.1, residues 4007-4027): AERAVTGYKD[Pro4017Ser]YSGKLISLFQ